The following is an entry in ClinVar:

NM_130797.4(DPP6):c.1479C>T (p.Tyr493=)

Gene: DPP6 (dipeptidyl peptidase like 6; plus strand). Cytogenetic location: 7q36.2.
Variant type: single nucleotide variant.
Coding change: c.1479C>T on transcript NM_130797.4 (MANE Select); coding-DNA position 1479, C replaced by T.
Protein change: p.Tyr493=; no amino-acid change (tyrosine 493 retained).
Molecular consequence: synonymous variant. On other transcripts: non-coding transcript variant (2).
Genome position (GRCh38, 1-based): chr7:154,803,935, C>T. VCF-style: chr7-154803935-C-T. GRCh37 (hg19) VCF-style: chr7-154595645-C-T.
Other names: c.1287C>T, p.Tyr429= (NM_001039350.3); c.1158C>T, p.Tyr386= (NM_001290252.2); c.1296C>T, p.Tyr432= (NM_001364497.2, NM_001364498.2, NM_001364499.2 and 1 more transcripts); c.1293C>T, p.Tyr431= (NM_001936.5).
Identifiers: ClinVar variation 4977573 (VCV004977573.1).

ClinVar aggregate classification (germline): Likely benign (1 of 4 stars; one submission).

Conditions:
DPP6-related disorder. Also called: DPP6-related condition.

gnomAD v4.1: 574 of 1,613,610 alleles (0.036%); highest among the groups gnomAD compares: Admixed American, 0.078%; 2 homozygotes.

Submission:

PreventionGenetics, part of Exact Sciences
Classification: Likely benign for DPP6-related condition. Last evaluated: 2026-06-01. Review status: criteria provided, single submitter. Criteria: ACMG Guidelines, 2015. Collection method: clinical testing. Allele origin: germline.
Comment: This variant is classified as likely benign based on ACMG/AMP sequence variant interpretation guidelines (Richards et al. 2015 PMID: 25741868, with internal and published modifications).